The following is an entry in ClinVar:

ClinVar aggregate classification (germline): Likely benign. Review status: criteria provided, multiple submitters, no conflicts (2 of 4 stars). 2 submissions from 2 submitters: Likely benign (2). Last evaluated 2023-05-23.

Conditions:
Malignant hyperthermia, susceptibility to, 1 (MHS1). Also called: Anesthesia related hyperthermia; Malignant hyperpyrexia; Fulminating hyperpyrexia; Pharmacogenic myopathy; RYR1-Related Malignant Hyperthermia Susceptibility; Malignant hyperthermia suceptibility 1. Identifiers: Orphanet 423, MedGen C2930980, MONDO:0007783, OMIM 145600.
RYR1-related disorder. Also called: RYR1-related disorders; RYR1-related condition. Identifiers: MedGen CN239331.

Allele frequency attached by ClinVar (database versions not stated): gnomAD exomes below 0.00001; gnomAD 0.00001; TOPMed 0.00001.
gnomAD v4.1: 2 of 1,613,342 alleles (0.00012%); highest among the groups gnomAD compares: African/African-American, 0.0027%; no homozygotes.

Submissions (2):

Labcorp Genetics (formerly Invitae), Labcorp
Classification: Likely benign for RYR1-related disorder. Last evaluated: 2023-05-23. Review status: criteria provided, single submitter. Criteria: Invitae Variant Classification Sherloc (09022015). Collection method: clinical testing. Allele origin: germline.

All of Us Research Program, National Institutes of Health
Classification: Likely benign for Malignant hyperthermia, susceptibility to, 1. Last evaluated: 2023-02-15. Review status: criteria provided, single submitter. Criteria: ACMG Guidelines, 2015. Collection method: clinical testing. Allele origin: germline. Inheritance: Autosomal dominant inheritance. Observed: 1 variant allele, 1 heterozygote.
Comment: This study involves interpretation of variants in research participants for the purpose of population health screening. Participant phenotype was not available at the time of variant classification. Additional details can be found in publication PMID: 35346344, PMCID: PMC8962531

NM_000540.3(RYR1):c.14970-9C>T

Gene: RYR1 (ryanodine receptor 1; plus strand). Cytogenetic location: 19q13.2.
Variant type: single nucleotide variant.
Coding change: c.14970-9C>T on transcript NM_000540.3 (MANE Select); 9 bases into the intron before coding-DNA position 14970, C replaced by T.
Molecular consequence: intron variant.
Genome position (GRCh38, 1-based): chr19:38,586,516, C>T. VCF-style: chr19-38586516-C-T. GRCh37 (hg19) VCF-style: chr19-39077156-C-T.
Other names: c.14955-9C>T (NM_001042723.2).
Identifiers: ClinVar variation 2891235 (VCV002891235.4), dbSNP rs930599826, ClinGen allele CA308126991.
Genomic context (GRCh38, chr19:38,586,516, plus strand): 5'-ACTATAAATGAAAAATAAAATAAGGTAAGGGTGGTTCTGACTTGTCTCCTGTGGTCCTCT[C>T]ACCCTCAGGTTTTTCCTGATGTATTTGATAAACAAGGATGAGACAGAACACACGGGTCAG-3'